The following is an entry in ClinVar:

ClinVar aggregate classification (germline): Uncertain significance (1 of 4 stars; one submission).

gnomAD v4.1: 6 of 1,614,052 alleles (0.00037%); highest among the groups gnomAD compares: African/African-American, 0.0053%; no homozygotes.

Submission:

Labcorp Genetics (formerly Invitae), Labcorp
Classification: Uncertain significance. Last evaluated: 2025-04-07. Review status: criteria provided, single submitter. Criteria: Invitae Variant Classification Sherloc (09022015). Collection method: clinical testing. Allele origin: germline.
Comment: This sequence change replaces asparagine, which is neutral and polar, with lysine, which is basic and polar, at codon 404 of the IGF1R protein (p.Asn404Lys). This variant is present in population databases (rs147486288, gnomAD 0.007%). This variant has not been reported in the literature in individuals affected with IGF1R-related conditions. An algorithm developed to predict the effect of missense changes on protein structure and function (PolyPhen-2) suggests that this variant is likely to be tolerated. In summary, the available evidence is currently insufficient to determine the role of this variant in disease. Therefore, it has been classified as a Variant of Uncertain Significance.

NM_000875.5(IGF1R):c.1212C>A (p.Asn404Lys)

Gene: IGF1R (insulin like growth factor 1 receptor; plus strand). Cytogenetic location: 15q26.3.
Variant type: single nucleotide variant.
Coding change: c.1212C>A on transcript NM_000875.5 (MANE Select); coding-DNA position 1212, C replaced by A.
Protein change: p.Asn404Lys; replaces asparagine 404 with lysine.
Molecular consequence: missense variant.
Genome position (GRCh38, 1-based): chr15:98,899,586, C>A. VCF-style: chr15-98899586-C-A. GRCh37 (hg19) VCF-style: chr15-99442815-C-A.
Other names: c.1212C>A, p.Asn404Lys (NM_001291858.2); short protein forms N404K.
Identifiers: ClinVar variation 4701861 (VCV004701861.1).